The following is an entry in ClinVar:

NM_000256.3(MYBPC3):c.419C>T (p.Ala140Val)

Gene: MYBPC3 (myosin binding protein C3; minus strand). Cytogenetic location: 11p11.2.
Variant type: single nucleotide variant.
Coding change: c.419C>T on transcript NM_000256.3 (MANE Select); coding-DNA position 419, C replaced by T.
Protein change: p.Ala140Val; replaces alanine 140 with valine.
Molecular consequence: missense variant.
Genome position (GRCh38, 1-based): chr11:47,350,100, G>A on the plus strand (C>T on the coding strand, the complement: MYBPC3 is on the minus strand). VCF-style: chr11-47350100-G-A. GRCh37 (hg19) VCF-style: chr11-47371651-G-A.
Other names: c.419C>T, p.Ala140Val (LRG_386t1); short protein forms A140V.
Identifiers: ClinVar variation 191707 (VCV000191707.3), dbSNP rs786205352, ClinGen allele CA015062.

ClinVar aggregate classification (germline): Uncertain significance. Review status: criteria provided, multiple submitters, no conflicts (2 of 4 stars). 2 submissions from 2 submitters: Uncertain significance (2). Last evaluated 2024-10-05.

Conditions:
Hypertrophic cardiomyopathy. Also called: HYPERTROPHIC MYOCARDIOPATHY. Identifiers: Orphanet 217569, MedGen C0007194, MeSH D002312, MONDO:0005045, HP:0001639.

Submissions (2):

Labcorp Genetics (formerly Invitae), Labcorp
Classification: Uncertain significance for Hypertrophic cardiomyopathy. Last evaluated: 2024-10-05. Review status: criteria provided, single submitter. Criteria: Invitae Variant Classification Sherloc (09022015). Collection method: clinical testing. Allele origin: germline.
Comment: This sequence change replaces alanine, which is neutral and non-polar, with valine, which is neutral and non-polar, at codon 140 of the MYBPC3 protein (p.Ala140Val). This variant is not present in population databases (gnomAD no frequency). This variant has not been reported in the literature in individuals affected with MYBPC3-related conditions. ClinVar contains an entry for this variant (Variation ID: 191707). An algorithm developed to predict the effect of missense changes on protein structure and function (PolyPhen-2) suggests that this variant is likely to be tolerated. Algorithms developed to predict the effect of sequence changes on RNA splicing suggest that this variant may disrupt the consensus splice site. In summary, the available evidence is currently insufficient to determine the role of this variant in disease. Therefore, it has been classified as a Variant of Uncertain Significance.

Biesecker Lab/Clinical Genomics Section, National Institutes of Health
Classification: Uncertain significance. Last evaluated: 2013-06-24. Review status: criteria provided, single submitter. Criteria: Ng et al. (Circ Cardiovasc Genet. 2013). Collection method: research. Allele origin: unknown. Observed: 1 variant allele. Study: ClinSeq.
Comment: The study set was not selected for affection status in relation to any cancer. Pathogenicity categories were based on literature curation. See Pubmed ID:23861362 for details.

Medical sequencing